The following is an entry in ClinVar:

NM_024915.4(GRHL2):c.432C>T (p.Pro144=)

Gene: GRHL2 (grainyhead like transcription factor 2; plus strand). Cytogenetic location: 8q22.3.
Variant type: single nucleotide variant.
Coding change: c.432C>T on transcript NM_024915.4 (MANE Select); coding-DNA position 432, C replaced by T.
Protein change: p.Pro144=; no amino-acid change (proline 144 retained).
Molecular consequence: synonymous variant.
Genome position (GRCh38, 1-based): chr8:101,558,566, C>T. VCF-style: chr8-101558566-C-T. GRCh37 (hg19) VCF-style: chr8-102570794-C-T.
Other names: c.384C>T, p.Pro128= (NM_001330593.2).
Identifiers: ClinVar variation 666698 (VCV000666698.4), dbSNP rs756526962, ClinGen allele CA4830298.

ClinVar aggregate classification (germline): Likely benign (1 of 4 stars; one submission).

Allele frequency attached by ClinVar (database versions not stated): gnomAD 0.00001; gnomAD exomes 0.00001; ExAC 0.00002.
gnomAD v4.1: 22 of 1,613,990 alleles (0.0014%); highest among the groups gnomAD compares: East Asian, 0.0022%; no homozygotes.

Submission:

Laboratory for Molecular Medicine, Mass General Brigham Personalized Medicine
Classification: Likely benign. Last evaluated: 2017-08-23. Review status: criteria provided, single submitter. Criteria: LMM Criteria. Collection method: clinical testing. Allele origin: germline. Observed: 1 variant allele.
Comment: p.Pro144Pro in exon 4 of GRHL2: This variant is not expected to have clinical si gnificance because it does not alter an amino acid residue and is not located wi thin the splice consensus sequence. It has been identified in 1/11578 Latino chr omosomes by the Exome Aggregation Consortium (ExAC, rg; dbSNP rs756526962).